The following is an entry in ClinVar:

ClinVar aggregate classification (germline): Pathogenic. Review status: criteria provided, multiple submitters, no conflicts (2 of 4 stars). 5 submissions from 5 submitters: Pathogenic (4). 1 of the submissions does not count toward it. Last evaluated 2025-11-10.

Conditions:
RECQL4-related disorder. Also called: RECQL4-related condition; RECQL4-related disorders.
Rothmund-Thomson syndrome type 2 (RTS2). Identifiers: Orphanet 221016, MedGen C5203410, MONDO:0016369, OMIM 268400.
Baller-Gerold syndrome (BGS). Also called: CRANIOSYNOSTOSIS WITH RADIAL DEFECTS. Identifiers: Orphanet 1225, MedGen C0265308, MONDO:0009039, OMIM 218600.

Allele frequency attached by ClinVar (database versions not stated): TOPMed 0.00002; gnomAD exomes 0.00004 and 0.00005; gnomAD 0.00005; ExAC 0.00013; 1000 Genomes Project 30x 0.00016; 1000 Genomes Project 0.00020.
gnomAD v4.1: 84 of 1,596,570 alleles (0.0053%); highest among the groups gnomAD compares: Non-Finnish European, 0.007%; no homozygotes.

Submissions (5):

Labcorp Genetics (formerly Invitae), Labcorp
Classification: Pathogenic for Baller-Gerold syndrome. Last evaluated: 2025-11-10. Review status: criteria provided, single submitter. Criteria: Invitae Variant Classification Sherloc (09022015). Collection method: clinical testing. Allele origin: germline.
Comment: This sequence change affects an acceptor splice site in intron 7 of the RECQL4 gene. It is expected to disrupt RNA splicing. Variants that disrupt the donor or acceptor splice site typically lead to a loss of protein function (PMID: 16199547), and loss-of-function variants in RECQL4 are known to be pathogenic (PMID: 12734318, 12952869). This variant is present in population databases (rs117642173, gnomAD 0.009%). Disruption of this splice site has been observed in individual(s) with Rothmund–Thomson syndrome (PMID: 10678659, 21143835, 27247962, 28039508, 28486640). In at least one individual the data is consistent with being in trans (on the opposite chromosome) from a pathogenic variant. It has also been observed to segregate with disease in related individuals. This variant is also known as a 3' splice site G→A change. ClinVar contains an entry for this variant (Variation ID: 6067). Algorithms developed to predict the effect of sequence changes on RNA splicing suggest that this variant may disrupt the consensus splice site. For these reasons, this variant has been classified as Pathogenic.

Blueprint Genetics
Classification: Pathogenic for RECQL4-related disorders. Last evaluated: 2022-12-16. Review status: criteria provided, single submitter. Criteria: ACMG Guidelines, 2015. Collection method: clinical testing. Allele origin: germline. Affected: yes. Observed: 1 variant allele.

CeGaT Center for Human Genetics Tuebingen
Classification: Pathogenic. Last evaluated: 2022-10-01. Review status: criteria provided, single submitter. Criteria: CeGaT Center For Human Genetics Tuebingen Variant Classification Criteria Version 2. Collection method: clinical testing. Allele origin: germline. Affected: yes. Observed: 1 variant allele.
Comment: RECQL4: PVS1, PM2, PM3, PP1

Department of Pediatrics, Memorial Sloan Kettering Cancer Center
Classification: Pathogenic for Rothmund-Thomson syndrome type 2. Last evaluated: 2020-12-15. Review status: criteria provided, single submitter. Criteria: ACMG Guidelines, 2015. Collection method: research. Allele origin: germline. Affected: no.

OMIM
Classification: Pathogenic for ROTHMUND-THOMSON SYNDROME, TYPE 2. Last evaluated: 2000-01-31. Review status: no assertion criteria provided. Collection method: literature only. Allele origin: germline. Not counted in ClinVar's aggregate classification.

Literature cited by the submitters: PubMed 16199547 (cited by Labcorp Genetics (formerly Invitae), Labcorp); PubMed 12734318 (cited by Labcorp Genetics (formerly Invitae), Labcorp); PubMed 12952869 (cited by Labcorp Genetics (formerly Invitae), Labcorp); PubMed 10678659 (cited by Labcorp Genetics (formerly Invitae), Labcorp and OMIM); PubMed 21143835 (cited by Labcorp Genetics (formerly Invitae), Labcorp); PubMed 27247962 (cited by Labcorp Genetics (formerly Invitae), Labcorp); PubMed 28039508 (cited by Labcorp Genetics (formerly Invitae), Labcorp); PubMed 28486640 (cited by Labcorp Genetics (formerly Invitae), Labcorp); PubMed 28873162 (cited by Department of Pediatrics, Memorial Sloan Kettering Cancer Center).

NM_004260.4(RECQL4):c.1391-1G>A

Gene: RECQL4 (RecQ like helicase 4; minus strand). Cytogenetic location: 8q24.3.
Variant type: single nucleotide variant.
Coding change: c.1391-1G>A on transcript NM_004260.4 (MANE Select); the canonical splice acceptor site of the intron before coding-DNA position 1391, G replaced by A.
Molecular consequence: splice acceptor variant.
Genome position (GRCh38, 1-based): chr8:144,515,243, C>T on the plus strand (G>A on the coding strand, the complement: RECQL4 is on the minus strand). VCF-style: chr8-144515243-C-T. GRCh37 (hg19) VCF-style: chr8-145740627-C-T.
Other names: IVS7AS, G-A; c.1262-1G>A (NM_001413025.1); c.1040-1G>A (NM_001413029.1); c.254-1G>A (NM_001413032.1, NM_001413027.1, NM_001413031.1 and 2 more transcripts); c.320-1G>A (NM_001413035.1, NM_001413040.1, NM_001413021.1 and 8 more transcripts); c.1295-1G>A (NM_001413017.1, NM_001413020.1); c.1391-1G>A (NM_001413039.1, NM_001413033.1, NM_001413018.1 and 2 more transcripts); c.-77-1G>A (NM_001413043.1).
Identifiers: ClinVar variation 6067 (VCV000006067.43), dbSNP rs117642173, ClinGen allele CA253754.
Genomic context (GRCh38, chr8:144,515,243, plus strand): 5'-CAGGGCGAAAGGCTTGGTGCCCCAGCTGCTCCAGGGCCTGGAACACCTCAGCCGGCGTCT[C>T]TGCAGACACAGATGTTGATCACCATGACTTGAGTCACCCCAACCCCTCAGTGAAGGCTCT-3'